The following is an entry in ClinVar:

NM_015176.4(FBXO28):c.1056G>C (p.Thr352=)

Gene: FBXO28 (F-box protein 28; plus strand). Cytogenetic location: 1q42.11.
Variant type: single nucleotide variant.
Coding change: c.1056G>C on transcript NM_015176.4 (MANE Select); coding-DNA position 1056, G replaced by C.
Protein change: p.Thr352=; no amino-acid change (threonine 352 retained).
Molecular consequence: synonymous variant. On other transcripts: 3 prime UTR variant (1), non-coding transcript variant (1).
Genome position (GRCh38, 1-based): chr1:224,157,695, G>C. VCF-style: chr1-224157695-G-C. GRCh37 (hg19) VCF-style: chr1-224345397-G-C.
Other names: c.*320G>C (NM_001136115.3).
Identifiers: ClinVar variation 2639927 (VCV002639927.24), dbSNP rs143381946, ClinGen allele CA1413527.

ClinVar aggregate classification (germline): Likely benign (1 of 4 stars; one submission).

gnomAD v4.1: 30 of 1,613,632 alleles (0.0019%); highest among the groups gnomAD compares: Non-Finnish European, 0.0023%; no homozygotes.

Submission:

CeGaT Center for Human Genetics Tuebingen
Classification: Likely benign. Last evaluated: 2022-03-01. Review status: criteria provided, single submitter. Criteria: CeGaT Center For Human Genetics Tuebingen Variant Classification Criteria Version 2. Collection method: clinical testing. Allele origin: germline. Affected: yes. Observed: 1 variant allele.
Comment: FBXO28: BP4, BP7